The following is an entry in ClinVar:

ClinVar aggregate classification (germline): Uncertain significance. Review status: criteria provided, multiple submitters, no conflicts (2 of 4 stars). 2 submissions from 2 submitters: Uncertain significance (2). Last evaluated 2026-08-06.

Conditions:
CEP164-related disorder. Also called: CEP164-related condition.
Inborn genetic diseases. Identifiers: MedGen C0950123, MeSH D030342.

Allele frequency attached by ClinVar (database versions not stated): 1000 Genomes Project 30x 0.00016; 1000 Genomes Project 0.00020.
gnomAD v4.1: 22 of 1,613,942 alleles (0.0014%); highest among the groups gnomAD compares: East Asian, 0.0089%; no homozygotes.

Submissions (2):

PreventionGenetics, part of Exact Sciences
Classification: Uncertain significance for CEP164-related condition. Last evaluated: 2026-08-06. Review status: criteria provided, single submitter. Criteria: ACMG Guidelines, 2015. Collection method: clinical testing. Allele origin: germline.
Comment: The CEP164 c.2993G>A variant is predicted to result in the amino acid substitution p.Arg998Gln. To our knowledge, this variant has not been reported in the literature. This variant is reported in 0.010% of alleles in individuals of East Asian descent in gnomAD. At this time, the clinical significance of this variant is uncertain due to the absence of conclusive functional and genetic evidence.

Ambry Genetics
Classification: Uncertain significance for Inborn genetic diseases. Last evaluated: 2023-05-18. Review status: criteria provided, single submitter. Criteria: Ambry Variant Classification Scheme 2023. Collection method: clinical testing. Allele origin: germline.

NM_014956.5(CEP164):c.2993G>A (p.Arg998Gln)

Gene: CEP164 (centrosomal protein 164; plus strand). Cytogenetic location: 11q23.3.
Variant type: single nucleotide variant.
Coding change: c.2993G>A on transcript NM_014956.5 (MANE Select); coding-DNA position 2993, G replaced by A.
Protein change: p.Arg998Gln; replaces arginine 998 with glutamine.
Molecular consequence: missense variant.
Genome position (GRCh38, 1-based): chr11:117,395,626, G>A. VCF-style: chr11-117395626-G-A. GRCh37 (hg19) VCF-style: chr11-117266342-G-A.
Other names: c.3002G>A, p.Arg1001Gln (NM_001271933.2); short protein forms R998Q, R1001Q.
Identifiers: ClinVar variation 2512829 (VCV002512829.3), dbSNP rs562263740, ClinGen allele CA6295297.